The following is an entry in ClinVar:

NM_007129.5(ZIC2):c.1424A>G (p.His475Arg)

Gene: ZIC2 (Zic family zinc finger 2; plus strand). Cytogenetic location: 13q32.3.
Variant type: single nucleotide variant.
Coding change: c.1424A>G on transcript NM_007129.5 (MANE Select); coding-DNA position 1424, A replaced by G.
Protein change: p.His475Arg; replaces histidine 475 with arginine.
Molecular consequence: missense variant.
Genome position (GRCh38, 1-based): chr13:99,985,507, A>G. VCF-style: chr13-99985507-A-G. GRCh37 (hg19) VCF-style: chr13-100637761-A-G.
Other names: c.1424A>G (NM_007129.3); short protein forms H475R.
Identifiers: ClinVar variation 4085892 (VCV004085892.9).
Genomic context (GRCh38, chr13:99,985,507, plus strand): 5'-CAGCGGCGGCGGCAGCGGCGGCGGCGGCTGCGGCGGCGGCGGCCGCGGTGTCCGCGGTGC[A>G]CCGGGGCGGAGGCTCGGGCAGTGGCGGCGCGGGAGGCGGCTCAGGCGGCGGCAGCGGCAG-3'
Protein context (NP_009060.2, residues 465-485): AAAAAAVSAV[His475Arg]RGGGSGSGGA

ClinVar aggregate classification (germline): Uncertain significance. Review status: criteria provided, multiple submitters, no conflicts (2 of 4 stars). 2 submissions from 2 submitters: Uncertain significance (2). Last evaluated 2026-06-05.

Conditions:
Inborn genetic diseases. Identifiers: MedGen C0950123, MeSH D030342.

Submissions (2):

Ambry Genetics
Classification: Uncertain significance for Inborn genetic diseases. Last evaluated: 2026-06-05. Review status: criteria provided, single submitter. Criteria: Ambry Variant Classification Scheme 2023. Collection method: clinical testing. Allele origin: germline.

CeGaT Center for Human Genetics Tuebingen
Classification: Uncertain significance. Last evaluated: 2025-08-01. Review status: criteria provided, single submitter. Criteria: CeGaT Center For Human Genetics Tuebingen Variant Classification Criteria Version 2. Collection method: clinical testing. Allele origin: germline. Affected: yes. Observed: 1 variant allele.
Comment: ZIC2: PM2, PP2, PP3